The following is an entry in ClinVar:

NM_017677.4(MTMR8):c.1844T>C (p.Ile615Thr)

Gene: MTMR8 (myotubularin related protein 8; minus strand). Cytogenetic location: Xq11.2.
Variant type: single nucleotide variant.
Coding change: c.1844T>C on transcript NM_017677.4 (MANE Select); coding-DNA position 1844, T replaced by C.
Protein change: p.Ile615Thr; replaces isoleucine 615 with threonine.
Molecular consequence: missense variant.
Genome position (GRCh38, 1-based): chrX:64,268,808, A>G on the plus strand (T>C on the coding strand, the complement: MTMR8 is on the minus strand). VCF-style: chrX-64268808-A-G. GRCh37 (hg19) VCF-style: chrX-63488688-A-G.
Other names: short protein forms I615T.
Identifiers: ClinVar variation 3044383 (VCV003044383.2), dbSNP rs61746243, ClinGen allele CA10432816.

ClinVar aggregate classification (germline): Benign (0 of 4 stars; one submission).

Conditions:
MTMR8-related disorder. Also called: MTMR8-related condition.

Allele frequency attached by ClinVar (database versions not stated): gnomAD exomes 0.00121; ExAC 0.00423; 1000 Genomes Project 30x 0.01186; gnomAD 0.01237; 1000 Genomes Project 0.01325; TOPMed 0.01332; ESP Exome Variant Server 0.01524.
gnomAD v4.1: 2,753 of 1,209,406 alleles (0.23%); highest among the groups gnomAD compares: African/African-American, 4.4%; 43 homozygotes.

Submission:

PreventionGenetics, part of Exact Sciences
Classification: Benign for MTMR8-related condition. Last evaluated: 2019-12-23. Review status: no assertion criteria provided. Collection method: clinical testing. Allele origin: germline.
Comment: This variant is classified as benign based on ACMG/AMP sequence variant interpretation guidelines (Richards et al. 2015 PMID: 25741868, with internal and published modifications).